The following is an entry in ClinVar:

NC_000012.12:g.132473094T>G

Gene: MUC8 (mucin 8; minus strand). Cytogenetic location: 12q24.33.
Variant type: single nucleotide variant.
Genome position: GRCh38 VCF-style: chr12-132473094-T-G. GRCh37 (hg19) VCF-style: chr12-133049680-T-G.
Identifiers: ClinVar variation 5039204 (VCV005039204.1).

ClinVar aggregate classification (germline): Likely benign (1 of 4 stars; one submission).

Submission:

CeGaT Center for Human Genetics Tuebingen
Classification: Likely benign. Last evaluated: 2026-08-01. Review status: criteria provided, single submitter. Criteria: CeGaT Center For Human Genetics Tuebingen Variant Classification Criteria Version 2. Collection method: clinical testing. Allele origin: germline. Affected: yes. Observed: 1 variant allele.
Comment: MUC8: BP4, BP7